The following is an entry in ClinVar:

ClinVar aggregate classification (germline): Uncertain significance (1 of 4 stars; one submission).

Submission:

Labcorp Genetics (formerly Invitae), Labcorp
Classification: Uncertain significance. Last evaluated: 2025-06-17. Review status: criteria provided, single submitter. Criteria: Invitae Variant Classification Sherloc (09022015). Collection method: clinical testing. Allele origin: germline.
Comment: This sequence change replaces glutamine, which is neutral and polar, with leucine, which is neutral and non-polar, at codon 707 of the ERBIN protein (p.Gln707Leu). This variant is not present in population databases (gnomAD no frequency). This variant has not been reported in the literature in individuals affected with ERBIN-related conditions. An algorithm developed to predict the effect of missense changes on protein structure and function (PolyPhen-2) suggests that this variant is likely to be tolerated. In summary, the available evidence is currently insufficient to determine the role of this variant in disease. Therefore, it has been classified as a Variant of Uncertain Significance.

NM_001253697.2(ERBIN):c.2120A>T (p.Gln707Leu)

Gene: ERBIN (erbb2 interacting protein; plus strand). Cytogenetic location: 5q12.3.
Variant type: single nucleotide variant.
Coding change: c.2120A>T on transcript NM_001253697.2 (MANE Select); coding-DNA position 2120, A replaced by T.
Protein change: p.Gln707Leu; replaces glutamine 707 with leucine.
Molecular consequence: missense variant.
Genome position (GRCh38, 1-based): chr5:66,053,438, A>T. VCF-style: chr5-66053438-A-T. GRCh37 (hg19) VCF-style: chr5-65349266-A-T.
Other names: c.2120A>T, p.Gln707Leu (NM_001006600.3, NM_001253698.2, NM_001253699.2 and 1 more transcripts); c.2108A>T, p.Gln703Leu (NM_001253701.2); short protein forms Q703L, Q707L.
Identifiers: ClinVar variation 4721555 (VCV004721555.1).